The following is an entry in ClinVar:

ClinVar aggregate classification (germline): Uncertain significance. Review status: criteria provided, multiple submitters, no conflicts (2 of 4 stars). 2 submissions from 2 submitters: Uncertain significance (2). Last evaluated 2022-05-20.

Conditions:
5-Oxoprolinase deficiency (OPLAHD). Also called: 5-OXOPROLINURIA DUE TO 5-OXOPROLINASE DEFICIENCY. Identifiers: Orphanet 33572, MedGen C0268525, MONDO:0009825, OMIM 260005, HP:0040142.

Allele frequency attached by ClinVar (database versions not stated): gnomAD exomes below 0.00001; TOPMed 0.00001; ExAC 0.00002.
gnomAD v4.1: 6 of 1,595,378 alleles (0.00038%); highest among the groups gnomAD compares: Admixed American, 0.0018%; no homozygotes.

Submissions (2):

Labcorp Genetics (formerly Invitae), Labcorp
Classification: Uncertain significance for 5-Oxoprolinase deficiency. Last evaluated: 2022-05-20. Review status: criteria provided, single submitter. Criteria: Invitae Variant Classification Sherloc (09022015). Collection method: clinical testing. Allele origin: germline.
Comment: In summary, the available evidence is currently insufficient to determine the role of this variant in disease. Therefore, it has been classified as a Variant of Uncertain Significance. This variant has not been reported in the literature in individuals affected with OPLAH-related conditions. The frequency data for this variant in the population databases is considered unreliable, as metrics indicate poor data quality at this position in the gnomAD database. This sequence change replaces asparagine, which is neutral and polar, with serine, which is neutral and polar, at codon 462 of the OPLAH protein (p.Asn462Ser).

Fulgent Genetics
Classification: Uncertain significance for 5-Oxoprolinase deficiency. Last evaluated: 2022-02-05. Review status: criteria provided, single submitter. Criteria: ACMG Guidelines, 2015. Collection method: clinical testing. Allele origin: unknown.

NM_017570.5(OPLAH):c.1385A>G (p.Asn462Ser)

Gene: OPLAH (5-oxoprolinase, ATP-hydrolysing; minus strand). Cytogenetic location: 8q24.3.
Variant type: single nucleotide variant.
Coding change: c.1385A>G on transcript NM_017570.5 (MANE Select); coding-DNA position 1385, A replaced by G.
Protein change: p.Asn462Ser; replaces asparagine 462 with serine.
Molecular consequence: missense variant.
Genome position (GRCh38, 1-based): chr8:144,057,485, T>C on the plus strand (A>G on the coding strand, the complement: OPLAH is on the minus strand). VCF-style: chr8-144057485-T-C. GRCh37 (hg19) VCF-style: chr8-145112388-T-C.
Other names: short protein forms N462S.
Identifiers: ClinVar variation 1435261 (VCV001435261.8), dbSNP rs782662415, ClinGen allele CA4931895.